The following is an entry in ClinVar:

NM_000152.5(GAA):c.2710G>A (p.Val904Met)

Gene: GAA (alpha glucosidase; plus strand). Cytogenetic location: 17q25.3.
Variant type: single nucleotide variant.
Coding change: c.2710G>A on transcript NM_000152.5 (MANE Select); coding-DNA position 2710, G replaced by A.
Protein change: p.Val904Met; replaces valine 904 with methionine.
Molecular consequence: missense variant.
Genome position (GRCh38, 1-based): chr17:80,118,716, G>A. VCF-style: chr17-80118716-G-A. GRCh37 (hg19) VCF-style: chr17-78092515-G-A.
Other names: c.2710G>A, p.Val904Met (NM_001079803.3, NM_001079804.3, NM_001406741.1 and 1 more transcripts); short protein forms V904M.
Identifiers: ClinVar variation 3518091 (VCV003518091.1).
Genomic context (GRCh38, chr17:80,118,716, plus strand): 5'-ACGATCGTGAATGAGCTGGTACGTGTGACCAGTGAGGGAGCTGGCCTGCAGCTGCAGAAG[G>A]TGACTGTCCTGGGCGTGGCCACGGCGCCCCAGCAGGTCCTCTCCAACGGTGTCCCTGTCT-3'
Protein context (NP_000143.2, residues 894-914): SEGAGLQLQK[Val904Met]TVLGVATAPQ

ClinVar aggregate classification (germline): Uncertain significance (1 of 4 stars; one submission).

Conditions:
Cardiovascular phenotype. Identifiers: MedGen CN230736.

gnomAD v4.1: 2 of 1,613,296 alleles (0.00012%); highest among the groups gnomAD compares: East Asian, 0.0045%; no homozygotes.

Submission:

Ambry Genetics
Classification: Uncertain significance for Cardiovascular phenotype. Last evaluated: 2024-06-28. Review status: criteria provided, single submitter. Criteria: Ambry Variant Classification Scheme 2023. Collection method: clinical testing. Allele origin: germline.
Comment: The p.V904M variant (also known as c.2710G>A), located in coding exon 18 of the GAA gene, results from a G to A substitution at nucleotide position 2710. The valine at codon 904 is replaced by methionine, an amino acid with highly similar properties. This amino acid position is conserved. In addition, the in silico prediction for this alteration is inconclusive. Based on the available evidence, the clinical significance of this variant remains unclear.